The following is an entry in ClinVar:

ClinVar aggregate classification (germline): Conflicting classifications of pathogenicity. Review status: criteria provided, conflicting classifications (1 of 4 stars). 5 submissions from 5 submitters: Uncertain significance (3); Likely benign (2). Last evaluated 2025-12-09.

Conditions:
Pontoneocerebellar hypoplasia. Also called: Pontocerebellar hypoplasia; Non-syndromic pontocerebellar hypoplasia. Identifiers: Orphanet 98523, MedGen C1261175, MONDO:0020135.

Allele frequency attached by ClinVar (database versions not stated): ESP Exome Variant Server 0.00017; gnomAD 0.00034 and 0.00035; TOPMed 0.00042; 1000 Genomes Project 30x 0.00094; 1000 Genomes Project 0.00100.
gnomAD v4.1: 663 of 1,603,402 alleles (0.041%); highest among the groups gnomAD compares: Non-Finnish European, 0.05%; 1 homozygote.

Submissions (5):

Labcorp Genetics (formerly Invitae), Labcorp
Classification: Uncertain significance. Last evaluated: 2025-12-09. Review status: criteria provided, single submitter. Criteria: Invitae Variant Classification Sherloc (09022015). Collection method: clinical testing. Allele origin: germline.
Comment: This sequence change replaces arginine, which is basic and polar, with proline, which is neutral and non-polar, at codon 77 of the TSEN34 protein (p.Arg77Pro). This variant is present in population databases (rs200004897, gnomAD 0.06%), and has an allele count higher than expected for a pathogenic variant. This variant has not been reported in the literature in individuals affected with TSEN34-related conditions. ClinVar contains an entry for this variant (Variation ID: 330126). An algorithm developed to predict the effect of missense changes on protein structure and function (PolyPhen-2) suggests that this variant is likely to be tolerated. In summary, the available evidence is currently insufficient to determine the role of this variant in disease. Therefore, it has been classified as a Variant of Uncertain Significance.

Ambry Genetics
Classification: Uncertain significance. Last evaluated: 2025-08-12. Review status: criteria provided, single submitter. Criteria: Ambry Variant Classification Scheme 2023. Collection method: clinical testing. Allele origin: germline.

Blueprint Genetics
Classification: Likely benign. Last evaluated: 2024-11-01. Review status: criteria provided, single submitter. Criteria: ACMG Guidelines, 2015. Collection method: clinical testing. Allele origin: germline.

GeneDx
Classification: Likely benign. Last evaluated: 2018-03-26. Review status: criteria provided, single submitter. Criteria: GeneDx Variant Classification Process June 2021. Collection method: clinical testing. Allele origin: germline. Affected: yes.

Illumina Laboratory Services, Illumina
Classification: Uncertain significance for Pontoneocerebellar hypoplasia. Last evaluated: 2018-01-12. Review status: criteria provided, single submitter. Criteria: ICSL Variant Classification Criteria 13 December 2019. Collection method: clinical testing. Allele origin: germline.

NM_001077446.4(TSEN34):c.230G>C (p.Arg77Pro)

Gene: TSEN34 (tRNA splicing endonuclease subunit 34; plus strand). Cytogenetic location: 19q13.42.
Variant type: single nucleotide variant.
Coding change: c.230G>C on transcript NM_001077446.4 (MANE Select); coding-DNA position 230, G replaced by C.
Protein change: p.Arg77Pro; replaces arginine 77 with proline.
Molecular consequence: missense variant.
Genome position (GRCh38, 1-based): chr19:54,191,594, G>C. VCF-style: chr19-54191594-G-C. GRCh37 (hg19) VCF-style: chr19-54695445-G-C.
Other names: c.230G>C, p.Arg77Pro (NM_001282332.2, NM_001282333.2, NM_001386740.1 and 1 more transcripts); short protein forms R77P.
Identifiers: ClinVar variation 330126 (VCV000330126.15), dbSNP rs200004897, ClinGen allele CA309373128.